The following is an entry in ClinVar:

NM_001999.4(FBN2):c.8210T>C (p.Met2737Thr)

Gene: FBN2 (fibrillin 2; minus strand). Cytogenetic location: 5q23.3.
Variant type: single nucleotide variant.
Coding change: c.8210T>C on transcript NM_001999.4 (MANE Select); coding-DNA position 8210, T replaced by C.
Protein change: p.Met2737Thr; replaces methionine 2737 with threonine.
Molecular consequence: missense variant.
Genome position (GRCh38, 1-based): chr5:128,261,890, A>G on the plus strand (T>C on the coding strand, the complement: FBN2 is on the minus strand). VCF-style: chr5-128261890-A-G. GRCh37 (hg19) VCF-style: chr5-127597582-A-G.
Other names: short protein forms M2737T.
Identifiers: ClinVar variation 4023458 (VCV004023458.1).

ClinVar aggregate classification (germline): Uncertain significance (1 of 4 stars; one submission).

Conditions:
Familial thoracic aortic aneurysm and aortic dissection (TAAD). Also called: Thoracic aortic aneurysms and dissections. Identifiers: Orphanet 91387, MedGen C4707243, MONDO:0019625.

gnomAD v4.1: 1 of 1,614,104 alleles (0.000062%); highest among the groups gnomAD compares: Non-Finnish European, 0.000085%; no homozygotes.

Submission:

Ambry Genetics
Classification: Uncertain significance for Familial thoracic aortic aneurysm and aortic dissection. Last evaluated: 2025-05-07. Review status: criteria provided, single submitter. Criteria: Ambry Variant Classification Scheme 2023. Collection method: clinical testing. Allele origin: germline.
Comment: The p.M2737T variant (also known as c.8210T>C), located in coding exon 64 of the FBN2 gene, results from a T to C substitution at nucleotide position 8210. The methionine at codon 2737 is replaced by threonine, an amino acid with similar properties. This amino acid position is not well conserved in available vertebrate species. In addition, this alteration is predicted to be tolerated by in silico analysis. Based on the available evidence, the clinical significance of this variant remains unclear.